The following is an entry in ClinVar:

ClinVar aggregate classification (germline): Uncertain significance (1 of 4 stars; one submission).

Conditions:
Muscular dystrophy-dystroglycanopathy (congenital with brain and eye anomalies), type A14. Also called: Congenital Muscular Dystrophy-Dystroglycanopathy with Brain and Eye Anomalies Type A 14; Congenital muscular dystrophy-dystroglycanopathy with brain and eye anomalies, type A14; Muscular dystrophy-dystroglycanopathy (congenital with brain and eye anomalies), type a, 14; WALKER-WARBURG SYNDROME OR MUSCLE-EYE-BRAIN DISEASE, GMPPB-RELATED. Identifiers: Orphanet 588, MedGen C3809216, MONDO:0014140, OMIM 615350.
Muscular dystrophy-dystroglycanopathy (congenital with impaired intellectual development), type B, 14. Also called: Congenital muscular dystrophy-dystroglycanopathy with mental retardation, type B14; MUSCULAR DYSTROPHY, CONGENITAL, GMPPB-RELATED; Muscular dystrophy-dystroglycanopathy (congenital with intellectual disability), type B14. Identifiers: MedGen C3809221, MONDO:0014141, OMIM 615351.
Autosomal recessive limb-girdle muscular dystrophy type 2T. Also called: Limb-girdle muscular dystrophy-dystroglycanopathy, type C14; Muscular dystrophy-dystroglycanopathy (limb-girdle), type c, 14; MUSCULAR DYSTROPHY-DYSTROGLYCANOPATHY, LIMB-GIRDLE, GMPPB-RELATED; MUSCULAR DYSTROPHY, LIMB-GIRDLE, TYPE 2T. Identifiers: Orphanet 363623, MedGen C4518000, MONDO:0014142, OMIM 615352.

Allele frequency attached by ClinVar (database versions not stated): gnomAD exomes below 0.00001; TOPMed 0.00001.
gnomAD v4.1: 2 of 1,613,402 alleles (0.00012%); highest among the groups gnomAD compares: South Asian, 0.0022%; no homozygotes.

Submission:

Labcorp Genetics (formerly Invitae), Labcorp
Classification: Uncertain significance for Autosomal recessive limb-girdle muscular dystrophy type 2T; Muscular dystrophy-dystroglycanopathy (congenital with brain and eye anomalies), type A14; Muscular dystrophy-dystroglycanopathy (congenital with impaired intellectual development), type B, 14. Last evaluated: 2018-01-29. Review status: criteria provided, single submitter. Criteria: Invitae Variant Classification Sherloc (09022015). Collection method: clinical testing. Allele origin: germline.
Comment: In summary, the available evidence is currently insufficient to determine the role of this variant in disease. Therefore, it has been classified as a Variant of Uncertain Significance. Algorithms developed to predict the effect of sequence changes on RNA splicing suggest that this variant may create or strengthen a splice site, but this prediction has not been confirmed by published transcriptional studies. Algorithms developed to predict the effect of missense changes on protein structure and function do not agree on the potential impact of this missense change (SIFT: "Deleterious"; PolyPhen-2: "Benign"; Align-GVGD: "Class C45"). This variant has not been reported in the literature in individuals with GMPPB-related disease. This variant is not present in population databases (ExAC no frequency). This sequence change replaces asparagine with serine at codon 253 of the GMPPB protein (p.Asn253Ser). The asparagine residue is highly conserved and there is a small physicochemical difference between asparagine and serine.

NM_021971.4(GMPPB):c.758A>G (p.Asn253Ser)

Gene: GMPPB (GDP-mannose pyrophosphorylase B; minus strand). Cytogenetic location: 3p21.31.
Variant type: single nucleotide variant.
Coding change: c.758A>G on transcript NM_021971.4 (MANE Select); coding-DNA position 758, A replaced by G.
Protein change: p.Asn253Ser; replaces asparagine 253 with serine.
Molecular consequence: missense variant.
Genome position (GRCh38, 1-based): chr3:49,722,241, T>C on the plus strand (A>G on the coding strand, the complement: GMPPB is on the minus strand). VCF-style: chr3-49722241-T-C. GRCh37 (hg19) VCF-style: chr3-49759674-T-C.
Other names: c.758A>G, p.Asn253Ser (NM_013334.4); short protein forms N253S.
Identifiers: ClinVar variation 581654 (VCV000581654.4), dbSNP rs1559696765, ClinGen allele CA352827996.